The following is an entry in ClinVar:

ClinVar aggregate classification (germline): Uncertain significance (1 of 4 stars; one submission).

Submission:

Labcorp Genetics (formerly Invitae), Labcorp
Classification: Uncertain significance. Last evaluated: 2025-06-23. Review status: criteria provided, single submitter. Criteria: Invitae Variant Classification Sherloc (09022015). Collection method: clinical testing. Allele origin: germline.
Comment: This sequence change affects codon 47 of the MOCS3 mRNA. It is a 'silent' change, meaning that it does not change the encoded amino acid sequence of the MOCS3 protein. This variant is not present in population databases (gnomAD no frequency). This variant has not been reported in the literature in individuals affected with MOCS3-related conditions. In summary, the available evidence is currently insufficient to determine the role of this variant in disease. Therefore, it has been classified as a Variant of Uncertain Significance.

NM_014484.5(MOCS3):c.141G>A (p.Ser47=)

Gene: MOCS3 (molybdenum cofactor synthesis 3; plus strand). Cytogenetic location: 20q13.13.
Variant type: single nucleotide variant.
Coding change: c.141G>A on transcript NM_014484.5 (MANE Select); coding-DNA position 141, G replaced by A.
Protein change: p.Ser47=; no amino-acid change (serine 47 retained).
Molecular consequence: synonymous variant.
Genome position (GRCh38, 1-based): chr20:50,958,983, G>A. VCF-style: chr20-50958983-G-A. GRCh37 (hg19) VCF-style: chr20-49575520-G-A.
Identifiers: ClinVar variation 4721320 (VCV004721320.1).